The following is an entry in ClinVar:

ClinVar aggregate classification (germline): Uncertain significance (1 of 4 stars; one submission).

Submission:

GeneDx
Classification: Uncertain significance. Last evaluated: 2019-09-10. Review status: criteria provided, single submitter. Criteria: GeneDx Variant Classification Process June 2021. Collection method: clinical testing. Allele origin: germline. Affected: yes.
Comment: Not observed in large population cohorts (Lek et al., 2016); In-silico analysis, which includes splice predictors and evolutionary conservation, is inconclusive as to whether the variant alters gene splicing. In the absence of RNA/functional studies, the actual effect of this sequence change is unknown.; Has not been previously published as pathogenic or benign to our knowledge

NM_014271.4(IL1RAPL1):c.1202-3C>T

Gene: IL1RAPL1 (interleukin 1 receptor accessory protein like 1; plus strand). Cytogenetic location: Xp21.2.
Variant type: single nucleotide variant.
Coding change: c.1202-3C>T on transcript NM_014271.4 (MANE Select); 3 bases into the intron before coding-DNA position 1202, C replaced by T.
Molecular consequence: intron variant.
Genome position (GRCh38, 1-based): chrX:29,954,519, C>T. VCF-style: chrX-29954519-C-T. GRCh37 (hg19) VCF-style: chrX-29972636-C-T.
Identifiers: ClinVar variation 1310253 (VCV001310253.2), dbSNP rs2147258598, ClinGen allele CA2573055240.